The following is an entry in ClinVar:

ClinVar aggregate classification (germline): Uncertain significance (1 of 4 stars; one submission).

Conditions:
Hereditary cancer-predisposing syndrome. Also called: Neoplastic Syndromes, Hereditary; Tumor predisposition; Hereditary neoplastic syndrome; Hereditary Cancer Syndrome. Identifiers: Orphanet 140162, MedGen C0027672, MeSH D009386, MONDO:0015356.

Submission:

Ambry Genetics
Classification: Uncertain significance for Hereditary cancer-predisposing syndrome. Last evaluated: 2023-10-16. Review status: criteria provided, single submitter. Criteria: Ambry Variant Classification Scheme 2023. Collection method: clinical testing. Allele origin: germline.
Comment: The p.C27W variant (also known as c.81C>G), located in coding exon 2 of the PMS2 gene, results from a C to G substitution at nucleotide position 81. The cysteine at codon 27 is replaced by tryptophan, an amino acid with highly dissimilar properties. This amino acid position is conserved. In addition, this alteration is predicted to be deleterious by in silico analysis. Since supporting evidence is limited at this time, the clinical significance of this alteration remains unclear.

NM_000535.7(PMS2):c.81C>G (p.Cys27Trp)

Gene: PMS2 (PMS1 homolog 2, mismatch repair system component; minus strand). Cytogenetic location: 7p22.1.
Variant type: single nucleotide variant.
Coding change: c.81C>G on transcript NM_000535.7 (MANE Select); coding-DNA position 81, C replaced by G.
Protein change: p.Cys27Trp; replaces cysteine 27 with tryptophan.
Molecular consequence: missense variant. On other transcripts: 5 prime UTR variant (38), non-coding transcript variant (1), intron variant (7).
Genome position (GRCh38, 1-based): chr7:6,005,974, G>C on the plus strand (C>G on the coding strand, the complement: PMS2 is on the minus strand). VCF-style: chr7-6005974-G-C. GRCh37 (hg19) VCF-style: chr7-6045605-G-C.
Other names: c.-325C>G (NM_001018040.1, NM_001322003.2, NM_001322005.2 and 11 more transcripts); c.81C>G, p.Cys27Trp (NM_001322006.2, NM_001322014.2, NM_001406868.1 and 10 more transcripts); c.-135C>G (NM_001322007.2, NM_001406876.1, NM_001406883.1 and 4 more transcripts); c.-804C>G (NM_001322011.2, NM_001322012.2); c.-404C>G (NM_001322015.2, NM_001406875.1, NM_001406877.1 and 2 more transcripts); c.267C>G, p.Cys89Trp (NM_001406866.1); c.-351C>G (NM_001406880.1); c.-272C>G (NM_001406888.1, NM_001406889.1, NM_001406892.1 and 5 more transcripts); and 7 more; short protein forms C27W, C89W.
Identifiers: ClinVar variation 3232038 (VCV003232038.1), dbSNP rs2128845860, ClinGen allele CA366745094.